The following is an entry in ClinVar:

NM_017646.6(TRIT1):c.414+267G>A

Gene: TRIT1 (tRNA isopentenyltransferase 1; minus strand). Cytogenetic location: 1p34.2.
Variant type: single nucleotide variant.
Coding change: c.414+267G>A on transcript NM_017646.6 (MANE Select); 267 bases into the intron after coding-DNA position 414, G replaced by A.
Molecular consequence: intron variant.
Genome position (GRCh38, 1-based): chr1:39,853,703, C>T on the plus strand (G>A on the coding strand, the complement: TRIT1 is on the minus strand). VCF-style: chr1-39853703-C-T. GRCh37 (hg19) VCF-style: chr1-40319375-C-T.
Other names: c.175-827G>A (NM_001312692.1); c.414+267G>A (NM_001312691.1).
Identifiers: ClinVar variation 684263 (VCV000684263.2), dbSNP rs61779834, ClinGen allele CA10805445.

ClinVar aggregate classification (germline): Benign. Review status: criteria provided, multiple submitters, no conflicts (2 of 4 stars). 2 submissions from 2 submitters: Benign (2). Last evaluated 2018-06-19.

Allele frequency attached by ClinVar (database versions not stated): 1000 Genomes Project 0.14796; TOPMed 0.17805; gnomAD 0.18390 and 0.18325; 1000 Genomes Project 30x 0.14866.
gnomAD v4.1: 27,728 of 152,072 alleles (18%); highest among the groups gnomAD compares: Non-Finnish European, 22%; 2,665 homozygotes.

Submissions (2):

GeneDx
Classification: Benign. Last evaluated: 2018-06-19. Review status: criteria provided, single submitter. Criteria: GeneDx Variant Classification (06012015). Collection method: clinical testing. Allele origin: germline. Affected: yes.
Comment: This variant is considered likely benign or benign based on one or more of the following criteria: it is a conservative change, it occurs at a poorly conserved position in the protein, it is predicted to be benign by multiple in silico algorithms, and/or has population frequency not consistent with disease.

Breakthrough Genomics
Classification: Benign. Review status: criteria provided, single submitter. Criteria: ACMG Guidelines, 2015. Collection method: not provided. Allele origin: germline. Inheritance: Autosomal recessive inheritance. Affected: yes.